The following is an entry in ClinVar:

NM_000214.3(JAG1):c.1905C>A (p.Ser635Arg)

Gene: JAG1 (jagged canonical Notch ligand 1; minus strand). Cytogenetic location: 20p12.2.
Variant type: single nucleotide variant.
Coding change: c.1905C>A on transcript NM_000214.3 (MANE Select); coding-DNA position 1905, C replaced by A.
Protein change: p.Ser635Arg; replaces serine 635 with arginine.
Molecular consequence: missense variant.
Genome position (GRCh38, 1-based): chr20:10,646,065, G>T on the plus strand (C>A on the coding strand, the complement: JAG1 is on the minus strand). VCF-style: chr20-10646065-G-T. GRCh37 (hg19) VCF-style: chr20-10626713-G-T.
Other names: short protein forms S635R.
Identifiers: ClinVar variation 4824968 (VCV004824968.1).

ClinVar aggregate classification (germline): Uncertain significance (1 of 4 stars; one submission).

Conditions:
Cardiovascular phenotype. Identifiers: MedGen CN230736.

Submission:

Ambry Genetics
Classification: Uncertain significance for Cardiovascular phenotype. Last evaluated: 2026-02-19. Review status: criteria provided, single submitter. Criteria: Ambry Variant Classification Scheme 2023. Collection method: clinical testing. Allele origin: germline.
Comment: The p.S635R variant (also known as c.1905C>A), located in coding exon 15 of the JAG1 gene, results from a C to A substitution at nucleotide position 1905. The serine at codon 635 is replaced by arginine, an amino acid with dissimilar properties. This amino acid position is conserved. In addition, the in silico prediction for this alteration is inconclusive. Based on the available evidence, the clinical significance of this variant remains unclear.